The following is an entry in ClinVar:

NM_031935.3(HMCN1):c.4156G>A (p.Gly1386Ser)

Gene: HMCN1 (hemicentin 1; plus strand). Cytogenetic location: 1q31.1.
Variant type: single nucleotide variant.
Coding change: c.4156G>A on transcript NM_031935.3 (MANE Select); coding-DNA position 4156, G replaced by A.
Protein change: p.Gly1386Ser; replaces glycine 1386 with serine.
Molecular consequence: missense variant.
Genome position (GRCh38, 1-based): chr1:186,001,384, G>A. VCF-style: chr1-186001384-G-A. GRCh37 (hg19) VCF-style: chr1-185970516-G-A.
Other names: short protein forms G1386S.
Identifiers: ClinVar variation 1386625 (VCV001386625.6), dbSNP rs757548486, ClinGen allele CA1291917.

ClinVar aggregate classification (germline): Uncertain significance (1 of 4 stars; one submission).

Allele frequency attached by ClinVar (database versions not stated): gnomAD 0.00004 and 0.00003; ExAC 0.00001; gnomAD exomes 0.00001; TOPMed 0.00003.
gnomAD v4.1: 19 of 1,612,026 alleles (0.0012%); highest among the groups gnomAD compares: African/African-American, 0.0053%; no homozygotes.

Submission:

Labcorp Genetics (formerly Invitae), Labcorp
Classification: Uncertain significance. Last evaluated: 2024-08-24. Review status: criteria provided, single submitter. Criteria: Invitae Variant Classification Sherloc (09022015). Collection method: clinical testing. Allele origin: germline.
Comment: This sequence change replaces glycine, which is neutral and non-polar, with serine, which is neutral and polar, at codon 1386 of the HMCN1 protein (p.Gly1386Ser). This variant is present in population databases (rs757548486, gnomAD 0.007%). This variant has not been reported in the literature in individuals affected with HMCN1-related conditions. ClinVar contains an entry for this variant (Variation ID: 1386625). An algorithm developed to predict the effect of missense changes on protein structure and function (PolyPhen-2) suggests that this variant is likely to be disruptive. In summary, the available evidence is currently insufficient to determine the role of this variant in disease. Therefore, it has been classified as a Variant of Uncertain Significance.